The following is an entry in ClinVar:

ClinVar aggregate classification (germline): Uncertain significance (1 of 4 stars; one submission).

Submission:

Ambry Genetics
Classification: Uncertain significance. Last evaluated: 2026-06-16. Review status: criteria provided, single submitter. Criteria: Ambry Variant Classification Scheme 2023. Collection method: clinical testing. Allele origin: germline.
Comment: The p.D1293V variant (also known as c.3878A>T), located in coding exon 8 of the MLH3 gene, results from an A to T substitution at nucleotide position 3878. The aspartic acid at codon 1293 is replaced by valine, an amino acid with highly dissimilar properties. This amino acid position is conserved. In addition, the in silico prediction for this alteration is inconclusive. Based on the available evidence, the clinical significance of this variant remains unclear.

NM_001040108.2(MLH3):c.3878A>T (p.Asp1293Val)

Gene: MLH3 (mutL homolog 3; minus strand). Cytogenetic location: 14q24.3.
Variant type: single nucleotide variant.
Coding change: c.3878A>T on transcript NM_001040108.2 (MANE Select); coding-DNA position 3878, A replaced by T.
Protein change: p.Asp1293Val; replaces aspartic acid 1293 with valine.
Molecular consequence: missense variant.
Genome position (GRCh38, 1-based): chr14:75,030,652, T>A on the plus strand (A>T on the coding strand, the complement: MLH3 is on the minus strand). VCF-style: chr14-75030652-T-A. GRCh37 (hg19) VCF-style: chr14-75497355-T-A.
Other names: c.3806A>T, p.Asp1269Val (NM_014381.3); short protein forms D1293V, D1269V.
Identifiers: ClinVar variation 5024566 (VCV005024566.1).